The following is an entry in ClinVar:

NM_001035.3(RYR2):c.7645C>G (p.Leu2549Val)

Gene: RYR2 (ryanodine receptor 2; plus strand). Cytogenetic location: 1q43.
Variant type: single nucleotide variant.
Coding change: c.7645C>G on transcript NM_001035.3 (MANE Select); coding-DNA position 7645, C replaced by G.
Protein change: p.Leu2549Val; replaces leucine 2549 with valine.
Molecular consequence: missense variant.
Genome position (GRCh38, 1-based): chr1:237,650,009, C>G. VCF-style: chr1-237650009-C-G. GRCh37 (hg19) VCF-style: chr1-237813309-C-G.
Other names: short protein forms L2549V.
Identifiers: ClinVar variation 923494 (VCV000923494.5), dbSNP rs1682569840, ClinGen allele CA345399257.

ClinVar aggregate classification (germline): Uncertain significance (1 of 4 stars; one submission).

Conditions:
Cardiomyopathy (CMYO). Also called: Cardiomyopathies. Identifiers: Orphanet 167848, MedGen C0878544, MONDO:0004994, HP:0001638. Inheritance: Various modes of inheritance.

Submission:

Color Diagnostics, LLC DBA Color Health
Classification: Uncertain significance for Cardiomyopathy. Last evaluated: 2023-12-05. Review status: criteria provided, single submitter. Criteria: ACMG Guidelines, 2015. Collection method: clinical testing. Allele origin: germline.
Comment: Variant of Uncertain Significance due to insufficient evidence: This missense variant replaces leucine with valine at codon 2549 of the RYR2 protein. Computational prediction tools and conservation analyses suggest that this variant may have deleterious impact on the protein function. Computational splicing tools suggest that this variant may not impact RNA splicing. To our knowledge, functional assays have not been performed for this variant nor has this variant been reported in individuals affected with cardiovascular disorders in the literature. This variant has not been identified in the general population by the Genome Aggregation Database (gnomAD). Available evidence is insufficient to determine the role of this variant in disease conclusively.